The following is an entry in ClinVar:

NM_058195.4(CDKN2A):c.113G>T (p.Gly38Val)

Gene: CDKN2A (cyclin dependent kinase inhibitor 2A; minus strand). Cytogenetic location: 9p21.3.
Variant type: single nucleotide variant.
Coding change: c.113G>T on transcript NM_058195.4 (MANE Plus Clinical); coding-DNA position 113, G replaced by T.
Protein change: p.Gly38Val; replaces glycine 38 with valine.
Molecular consequence: missense variant. On other transcripts: intron variant (1).
Genome position (GRCh38, 1-based): chr9:21,994,219, C>A on the plus strand (G>T on the coding strand, the complement: CDKN2A is on the minus strand). VCF-style: chr9-21994219-C-A. GRCh37 (hg19) VCF-style: chr9-21994218-C-A.
Other names: c.-4+602G>T (NM_001363763.2); short protein forms G38V.
Identifiers: ClinVar variation 2563903 (VCV002563903.2), dbSNP rs1563902798, ClinGen allele CA373086917.

ClinVar aggregate classification (germline): Uncertain significance (1 of 4 stars; one submission).

Conditions:
Hereditary cancer-predisposing syndrome. Also called: Hereditary Cancer Syndrome; Hereditary neoplastic syndrome; Neoplastic Syndromes, Hereditary; Tumor predisposition. Identifiers: Orphanet 140162, MedGen C0027672, MeSH D009386, MONDO:0015356.

Submission:

Ambry Genetics
Classification: Uncertain significance for Hereditary cancer-predisposing syndrome. Last evaluated: 2023-05-19. Review status: criteria provided, single submitter. Criteria: Ambry Variant Classification Scheme 2023. Collection method: clinical testing. Allele origin: germline.
Comment: The p.G38V variant (also known as c.113G>T), located in coding exon 1 of the CDKN2A (p14ARF) gene, results from a G to T substitution at nucleotide position 113. The glycine at codon 38 is replaced by valine, an amino acid with dissimilar properties. This amino acid position is not well conserved in available vertebrate species. In addition, this alteration is predicted to be tolerated by in silico analysis. Since supporting evidence is limited at this time, the clinical significance of this alteration remains unclear.